The following is an entry in ClinVar:

NM_000361.3(THBD):c.1209G>T (p.Arg403Ser)

Gene: THBD (thrombomodulin; minus strand). Cytogenetic location: 20p11.21.
Variant type: single nucleotide variant.
Coding change: c.1209G>T on transcript NM_000361.3 (MANE Select); coding-DNA position 1209, G replaced by T.
Protein change: p.Arg403Ser; replaces arginine 403 with serine.
Molecular consequence: missense variant.
Genome position (GRCh38, 1-based): chr20:23,048,296, C>A on the plus strand (G>T on the coding strand, the complement: THBD is on the minus strand). VCF-style: chr20-23048296-C-A. GRCh37 (hg19) VCF-style: chr20-23028933-C-A.
Other names: R385S; short protein forms R403S.
Identifiers: ClinVar variation 29903 (VCV000029903.5), dbSNP rs398122807, ClinGen allele CA128733.

ClinVar aggregate classification (germline): Uncertain significance. Review status: criteria provided, multiple submitters, no conflicts (2 of 4 stars). 3 submissions from 3 submitters: Uncertain significance (2). 1 of the submissions does not count toward it. Last evaluated 2026-09-17.

Conditions:
Thrombomodulin-related bleeding disorder (THPH12). Also called: Thrombophilia due to thrombomodulin defect. Identifiers: Orphanet 436169, MedGen C3280976, MONDO:0013775, OMIM 614486.

Allele frequency attached by ClinVar (database versions not stated): gnomAD 0.00001; TOPMed 0.00001; gnomAD exomes 0.00002.

Submissions (3):

Genomenon, Inc
Classification: Uncertain significance for Thrombomodulin-related bleeding disorder. Last evaluated: 2026-09-17. Review status: criteria provided, single submitter. Criteria: Genomenon Sequence Variant Interpretation Standards - Updated. Collection method: curation. Allele origin: germline. Affected: no.
Comment: THBD p.Arg403Ser (c.1209G>T) is a missense variant that changes the amino acid at codon 403 from arginine to serine. This variant has been reported in the published literature (PMID:39841007;15574195;12871544;12871287;11986219). It is absent or not present at a significant frequency in gnomAD. In silico models predict that this variant is not damaging. In conclusion, we classify THBD p.Arg403Ser (c.1209G>T) as a variant of uncertain significance.

Labcorp Genetics (formerly Invitae), Labcorp
Classification: Uncertain significance. Last evaluated: 2024-10-30. Review status: criteria provided, single submitter. Criteria: Invitae Variant Classification Sherloc (09022015). Collection method: clinical testing. Allele origin: germline.
Comment: This sequence change replaces arginine, which is basic and polar, with serine, which is neutral and polar, at codon 403 of the THBD protein (p.Arg403Ser). This variant is not present in population databases (gnomAD no frequency). This variant has not been reported in the literature in individuals affected with THBD-related conditions. ClinVar contains an entry for this variant (Variation ID: 29903). Invitae Evidence Modeling of protein sequence and biophysical properties (such as structural, functional, and spatial information, amino acid conservation, physicochemical variation, residue mobility, and thermodynamic stability) indicates that this missense variant is not expected to disrupt THBD protein function with a negative predictive value of 80%. In summary, the available evidence is currently insufficient to determine the role of this variant in disease. Therefore, it has been classified as a Variant of Uncertain Significance.

OMIM
Classification: Pathogenic for THROMBOPHILIA DUE TO THROMBOMODULIN DEFECT. Last evaluated: 2002-05-15. Review status: no assertion criteria provided. Collection method: literature only. Allele origin: germline. Not counted in ClinVar's aggregate classification.

Literature cited by the submitters: PubMed 39841007 (cited by Genomenon, Inc); PubMed 15574195 (cited by Genomenon, Inc); PubMed 12871544 (cited by Genomenon, Inc); PubMed 12871287 (cited by Genomenon, Inc); PubMed 11986219 (cited by Genomenon, Inc and OMIM).